The following is an entry in ClinVar:

ClinVar aggregate classification (germline): Conflicting classifications of pathogenicity. Review status: criteria provided, conflicting classifications (1 of 4 stars). 6 submissions from 6 submitters: Uncertain significance (1); Benign (2); Likely benign (3). Last evaluated 2026-07-29.

Conditions:
CACNA1A-related disorder. Also called: CACNA1A-related condition.
Developmental and epileptic encephalopathy, 42 (DEE42A). Also called: Epileptic encephalopathy, early infantile, 42; DEVELOPMENTAL AND EPILEPTIC ENCEPHALOPATHY 42A; EPILEPTIC ENCEPHALOPATHY, EARLY INFANTILE, 42A. Identifiers: MedGen C4310716, MONDO:0014917, OMIM 617106.
Episodic ataxia type 2 (EA2). Also called: ATAXIA, EPISODIC, WITH NYSTAGMUS; ATAXIA, FAMILIAL PAROXYSMAL; CEREBELLAR ATAXIA, PAROXYSMAL, ACETAZOLAMIDE-RESPONSIVE; CEREBELLOPATHY, HEREDITARY PAROXYSMAL; EPISODIC ATAXIA, NYSTAGMUS-ASSOCIATED; ACETAZOLAMIDE-RESPONSIVE HEREDITARY PAROXYSMAL CEREBELLAR ATAXIA. Identifiers: Orphanet 97, MedGen C1720416, MONDO:0007163, OMIM 108500.
Inborn genetic diseases. Identifiers: MedGen C0950123, MeSH D030342.

Allele frequency attached by ClinVar (database versions not stated): TOPMed 0.00037; 1000 Genomes Project 30x 0.00047; gnomAD exomes 0.00048 and 0.00020; ExAC 0.00050; gnomAD 0.00019 and 0.00022; 1000 Genomes Project 0.00020.
gnomAD v4.1: 333 of 1,610,014 alleles (0.021%); highest among the groups gnomAD compares: East Asian, 0.4%; 2 homozygotes.

Submissions (6):

PreventionGenetics, part of Exact Sciences
Classification: Likely benign for CACNA1A-related condition. Last evaluated: 2026-07-29. Review status: criteria provided, single submitter. Criteria: ACMG Guidelines, 2015. Collection method: clinical testing. Allele origin: germline.
Comment: This variant is classified as likely benign based on ACMG/AMP sequence variant interpretation guidelines (Richards et al. 2015 PMID: 25741868, with internal and published modifications).

Labcorp Genetics (formerly Invitae), Labcorp
Classification: Benign for Developmental and epileptic encephalopathy, 42; Episodic ataxia type 2. Last evaluated: 2025-11-12. Review status: criteria provided, single submitter. Criteria: Invitae Variant Classification Sherloc (09022015). Collection method: clinical testing. Allele origin: germline.

Blueprint Genetics
Classification: Likely benign. Last evaluated: 2024-04-04. Review status: criteria provided, single submitter. Criteria: ACMG Guidelines, 2015. Collection method: clinical testing. Allele origin: germline.

GeneDx
Classification: Benign. Last evaluated: 2020-11-30. Review status: criteria provided, single submitter. Criteria: GeneDx Variant Classification Process June 2021. Collection method: clinical testing. Allele origin: germline. Affected: yes.

Ambry Genetics
Classification: Likely benign for Inborn genetic diseases. Last evaluated: 2017-03-17. Review status: criteria provided, single submitter. Criteria: Ambry Variant Classification Scheme 2023. Collection method: clinical testing. Allele origin: germline.

Eurofins Ntd Llc (ga)
Classification: Uncertain significance. Last evaluated: 2015-10-29. Review status: criteria provided, single submitter. Criteria: EGL Classification Definitions 2015. Collection method: clinical testing. Allele origin: germline. Observed: 1 variant allele, 1 heterozygote.

NM_001127222.2(CACNA1A):c.5652C>T (p.Val1884=)

Gene: CACNA1A (calcium voltage-gated channel subunit alpha1 A; minus strand). Cytogenetic location: 19p13.13.
Variant type: single nucleotide variant.
Coding change: c.5652C>T on transcript NM_001127222.2 (MANE Select); coding-DNA position 5652, C replaced by T.
Protein change: p.Val1884=; no amino-acid change (valine 1884 retained).
Molecular consequence: synonymous variant.
Genome position (GRCh38, 1-based): chr19:13,224,746, G>A on the plus strand (C>T on the coding strand, the complement: CACNA1A is on the minus strand). VCF-style: chr19-13224746-G-A. GRCh37 (hg19) VCF-style: chr19-13335560-G-A.
Other names: c.5670C>T, p.Val1890= (NM_000068.4, NM_023035.3); c.5655C>T, p.Val1885= (NM_001127221.2); c.5661C>T, p.Val1887= (NM_001174080.2); c.5652C>T (NM_001127222.1).
Identifiers: ClinVar variation 284158 (VCV000284158.25), dbSNP rs17846921, ClinGen allele CA9239625.